The following is an entry in ClinVar:

NM_000426.4(LAMA2):c.7148G>A (p.Arg2383Gln)

Gene: LAMA2 (laminin subunit alpha 2; plus strand). Cytogenetic location: 6q22.33.
Variant type: single nucleotide variant.
Coding change: c.7148G>A on transcript NM_000426.4 (MANE Select); coding-DNA position 7148, G replaced by A.
Protein change: p.Arg2383Gln; replaces arginine 2383 with glutamine.
Molecular consequence: missense variant.
Genome position (GRCh38, 1-based): chr6:129,464,445, G>A. VCF-style: chr6-129464445-G-A. GRCh37 (hg19) VCF-style: chr6-129785590-G-A.
Other names: c.7148G>A, p.Arg2383Gln (NM_001079823.2); short protein forms R2383Q.
Identifiers: ClinVar variation 905582 (VCV000905582.9), dbSNP rs771062387, ClinGen allele CA3994452.

ClinVar aggregate classification (germline): Uncertain significance. Review status: criteria provided, multiple submitters, no conflicts (2 of 4 stars). 3 submissions from 3 submitters: Uncertain significance (3). Last evaluated 2024-10-17.

Conditions:
LAMA2-related muscular dystrophy (LAMA2-RD). Also called: Laminin alpha 2-related dystrophy. Identifiers: MedGen C5679788, MONDO:0100228.
Merosin deficient congenital muscular dystrophy (MDC1A). Also called: Congenital Muscular Dystrophy Type 1A (MDC1A); Congenital merosin-deficient muscular dystrophy 1A. Identifiers: Orphanet 258, MedGen C1263858, MONDO:0011925, OMIM 607855.
Muscular dystrophy, limb-girdle, autosomal recessive 23. Identifiers: Orphanet 565837, MedGen C4748327, MONDO:0029136, OMIM 618138.
Congenital muscular dystrophy due to partial LAMA2 deficiency. Identifiers: MedGen C1842898.

Allele frequency attached by ClinVar (database versions not stated): gnomAD 0.00001; gnomAD exomes 0.00001 and 0.00002; TOPMed 0.00001; ExAC 0.00002.
gnomAD v4.1: 17 of 1,611,454 alleles (0.0011%); highest among the groups gnomAD compares: Admixed American, 0.0017%; no homozygotes.

Submissions (3):

Labcorp Genetics (formerly Invitae), Labcorp
Classification: Uncertain significance for LAMA2-related muscular dystrophy. Last evaluated: 2024-10-17. Review status: criteria provided, single submitter. Criteria: Invitae Variant Classification Sherloc (09022015). Collection method: clinical testing. Allele origin: germline.
Comment: This sequence change replaces arginine, which is basic and polar, with glutamine, which is neutral and polar, at codon 2383 of the LAMA2 protein (p.Arg2383Gln). This variant is present in population databases (rs771062387, gnomAD 0.005%). This variant has not been reported in the literature in individuals affected with LAMA2-related conditions. ClinVar contains an entry for this variant (Variation ID: 905582). Invitae Evidence Modeling of protein sequence and biophysical properties (such as structural, functional, and spatial information, amino acid conservation, physicochemical variation, residue mobility, and thermodynamic stability) indicates that this missense variant is not expected to disrupt LAMA2 protein function with a negative predictive value of 95%. In summary, the available evidence is currently insufficient to determine the role of this variant in disease. Therefore, it has been classified as a Variant of Uncertain Significance.

Fulgent Genetics
Classification: Uncertain significance for Merosin deficient congenital muscular dystrophy; Muscular dystrophy, limb-girdle, autosomal recessive 23. Last evaluated: 2024-05-09. Review status: criteria provided, single submitter. Criteria: ACMG Guidelines, 2015. Collection method: clinical testing. Allele origin: germline.

Illumina Laboratory Services, Illumina
Classification: Uncertain significance for Congenital muscular dystrophy due to partial LAMA2 deficiency. Last evaluated: 2018-01-13. Review status: criteria provided, single submitter. Criteria: ICSL Variant Classification Criteria 13 December 2019. Collection method: clinical testing. Allele origin: germline.